The following is an entry in ClinVar:

NM_001365088.1(SLC12A6):c.88G>A (p.Asp30Asn)

Gene: SLC12A6 (solute carrier family 12 member 6; minus strand). Cytogenetic location: 15q14.
Variant type: single nucleotide variant.
Coding change: c.88G>A on transcript NM_001365088.1 (MANE Select); coding-DNA position 88, G replaced by A.
Protein change: p.Asp30Asn; replaces aspartic acid 30 with asparagine.
Molecular consequence: missense variant. On other transcripts: 5 prime UTR variant (2).
Genome position (GRCh38, 1-based): chr15:34,336,593, C>T on the plus strand (G>A on the coding strand, the complement: SLC12A6 is on the minus strand). VCF-style: chr15-34336593-C-T. GRCh37 (hg19) VCF-style: chr15-34628794-C-T.
Other names: c.-90G>A (NM_001042494.2, NM_001042495.2); c.61G>A, p.Asp21Asn (NM_001042496.2); c.88G>A, p.Asp30Asn (NM_001042497.2, NM_133647.2); short protein forms D21N, D30N.
Identifiers: ClinVar variation 1923737 (VCV001923737.2), dbSNP rs1187188279, ClinGen allele CA391621724.

ClinVar aggregate classification (germline): Uncertain significance (1 of 4 stars; one submission).

Allele frequency attached by ClinVar (database versions not stated): gnomAD 0.00001; TOPMed 0.00002.
gnomAD v4.1: 1 of 1,613,674 alleles (0.000062%); highest among the groups gnomAD compares: Non-Finnish European, 0.000085%; no homozygotes.

Submission:

Labcorp Genetics (formerly Invitae), Labcorp
Classification: Uncertain significance. Last evaluated: 2022-08-18. Review status: criteria provided, single submitter. Criteria: Invitae Variant Classification Sherloc (09022015). Collection method: clinical testing. Allele origin: germline.
Comment: This sequence change replaces aspartic acid, which is acidic and polar, with asparagine, which is neutral and polar, at codon 30 of the SLC12A6 protein (p.Asp30Asn). This variant is not present in population databases (gnomAD no frequency). This variant has not been reported in the literature in individuals affected with SLC12A6-related conditions. Advanced modeling of protein sequence and biophysical properties (such as structural, functional, and spatial information, amino acid conservation, physicochemical variation, residue mobility, and thermodynamic stability) performed at Invitae indicates that this missense variant is not expected to disrupt SLC12A6 protein function. In summary, the available evidence is currently insufficient to determine the role of this variant in disease. Therefore, it has been classified as a Variant of Uncertain Significance.